The following is an entry in ClinVar:

ClinVar aggregate classification (germline): Pathogenic (1 of 4 stars; one submission).

Conditions:
Autosomal recessive hypohidrotic ectodermal dysplasia syndrome. Also called: Autosomal recessive hypohidrotic ectodermal dysplasia. Identifiers: Orphanet 248, MedGen C0406702, MONDO:0016619.
Ectodermal dysplasia 10A, hypohidrotic/hair/nail type, autosomal dominant (ECTD10A). Also called: Ectodermal Dysplasia 3, Anhidrotic. Identifiers: Orphanet 1810, Orphanet 238468, MedGen C3888065, MONDO:0007509, OMIM 129490.

Submission:

Labcorp Genetics (formerly Invitae), Labcorp
Classification: Pathogenic for Ectodermal dysplasia 10A, hypohidrotic/hair/nail type, autosomal dominant; Autosomal recessive hypohidrotic ectodermal dysplasia syndrome. Last evaluated: 2024-05-21. Review status: criteria provided, single submitter. Criteria: Invitae Variant Classification Sherloc (09022015). Collection method: clinical testing. Allele origin: germline.
Comment: This sequence change affects a donor splice site in intron 11 of the EDAR gene. While this variant is not anticipated to result in nonsense mediated decay, it likely alters RNA splicing and results in a disrupted protein product. This variant is not present in population databases (gnomAD no frequency). This variant has not been reported in the literature in individuals affected with EDAR-related conditions. Variants that disrupt the consensus splice site are a relatively common cause of aberrant splicing (PMID: 17576681, 9536098). Algorithms developed to predict the effect of sequence changes on RNA splicing suggest that this variant may disrupt the consensus splice site. This variant disrupts a region of the EDAR protein in which other variant(s) (p.Phe398*) have been determined to be pathogenic (PMID: 23401279, 24641098). This suggests that this is a clinically significant region of the protein, and that variants that disrupt it are likely to be disease-causing. For these reasons, this variant has been classified as Pathogenic.

Literature cited by the submitters: PubMed 17576681; PubMed 9536098; PubMed 23401279; PubMed 24641098.

NM_022336.4(EDAR):c.1024+1G>T

Genes: EDAR (ectodysplasin A receptor; minus strand), RANBP2 (RAN binding protein 2; plus strand). Cytogenetic location: 2q13.
Variant type: single nucleotide variant.
Coding change: c.1024+1G>T on transcript NM_022336.4 (MANE Select); the canonical splice donor site of the intron after coding-DNA position 1024, G replaced by T.
Molecular consequence: splice donor variant.
Genome position (GRCh38, 1-based): chr2:108,906,307, C>A on the plus strand (G>T on the coding strand, the complement: EDAR is on the minus strand). VCF-style: chr2-108906307-C-A. GRCh37 (hg19) VCF-style: chr2-109522763-C-A.
Identifiers: ClinVar variation 3756461 (VCV003756461.2).
Genomic context (GRCh38, chr2:108,906,307, plus strand): 5'-GCCCAGCCCTTCATGTCGGTGGGGTGGGCACCACCTCTCCCAGGCTTTTTTTTCAGCTTA[C>A]CTTCCACGACTCCACACACGTTGGCATACACATCGAGGATCTTTTTCCTCCGGCTTTGAA-3'